The following is an entry in ClinVar:

NM_007294.4(BRCA1):c.81-7C>T

Gene: BRCA1 (BRCA1 DNA repair associated; minus strand). Cytogenetic location: 17q21.31.
Variant type: single nucleotide variant.
Coding change: c.81-7C>T on transcript NM_007294.4 (MANE Select); 7 bases into the intron before coding-DNA position 81, C replaced by T.
Molecular consequence: intron variant.
Genome position (GRCh38, 1-based): chr17:43,115,786, G>A on the plus strand (C>T on the coding strand, the complement: BRCA1 is on the minus strand). VCF-style: chr17-43115786-G-A. GRCh37 (hg19) VCF-style: chr17-41267803-G-A.
Other names: c.-8+8231C>T (NM_001408459.1, NM_001407945.1, NM_001407736.1 and 23 more transcripts); c.81-7C>T (NM_001408475.1, NM_001407875.1, NM_001407659.1 and 191 more transcripts); c.-108-7C>T (NM_001408509.1, NM_001408508.1, NM_001408491.1 and 52 more transcripts); c.-224-7C>T (NM_001408492.1, NM_001407889.1, NM_001407900.1); c.-177-7C>T (NM_001408468.1, NM_001407842.1, NM_001407749.1 and 13 more transcripts); c.-181-7C>T (NM_001407695.1, NM_001408465.1); c.-61-7C>T (NM_001407846.1, NM_001408503.1, NM_001407943.1 and 47 more transcripts); c.-8+5772C>T (NM_001407726.1, NM_001407751.1); and 10 more.
Identifiers: ClinVar variation 868113 (VCV000868113.3), dbSNP rs2055265891, ClinGen allele CA916081035.

Conditions:
Breast-ovarian cancer, familial, susceptibility to, 1 (BROVCA1). Also called: BRCA1 Hereditary Breast and Ovarian Cancer; OVARIAN CANCER, SUSCEPTIBILITY TO. Identifiers: Orphanet 145, MedGen C2676676, MONDO:0011450, OMIM 604370. Disease mechanism: loss of function.

Submission:

Brotman Baty Institute, University of Washington
No classification provided (evidence only). Condition: Breast-ovarian cancer, familial 1. Review status: no classification provided. Collection method: in vitro. Allele origin: not applicable. Functional consequence: functionally_normal.
ClinVar note: "not provided" was previously submitted as the classification for the variant. However, the classification appeared to be based only on an observation of functional data so it was converted to no classification on 2025-07-30.